The following is an entry in ClinVar:

ClinVar aggregate classification (germline): Uncertain significance (1 of 4 stars; one submission).

Allele frequency attached by ClinVar (database versions not stated): gnomAD exomes below 0.00001; ExAC 0.00002.
gnomAD v4.1: 1 of 1,613,666 alleles (0.000062%); highest among the groups gnomAD compares: Non-Finnish European, 0.000085%; no homozygotes.

Submission:

Labcorp Genetics (formerly Invitae), Labcorp
Classification: Uncertain significance. Last evaluated: 2023-12-10. Review status: criteria provided, single submitter. Criteria: Invitae Variant Classification Sherloc (09022015). Collection method: clinical testing. Allele origin: germline.
Comment: This sequence change replaces alanine, which is neutral and non-polar, with valine, which is neutral and non-polar, at codon 29 of the NDUFA4 protein (p.Ala29Val). This variant is present in population databases (rs756975529, gnomAD 0.0009%). This variant has not been reported in the literature in individuals affected with NDUFA4-related conditions. An algorithm developed to predict the effect of missense changes on protein structure and function (PolyPhen-2) suggests that this variant is likely to be tolerated. In summary, the available evidence is currently insufficient to determine the role of this variant in disease. Therefore, it has been classified as a Variant of Uncertain Significance.

NM_002489.4(COXFA4):c.86C>T (p.Ala29Val)

Gene: COXFA4 (cytochrome c oxidase associated subunit FA4; minus strand). Cytogenetic location: 7p21.3.
Variant type: single nucleotide variant.
Coding change: c.86C>T on transcript NM_002489.4 (MANE Select); coding-DNA position 86, C replaced by T.
Protein change: p.Ala29Val; replaces alanine 29 with valine.
Molecular consequence: missense variant.
Genome position (GRCh38, 1-based): chr7:10,938,853, G>A on the plus strand (C>T on the coding strand, the complement: COXFA4 is on the minus strand). VCF-style: chr7-10938853-G-A. GRCh37 (hg19) VCF-style: chr7-10978480-G-A.
Other names: short protein forms A29V.
Identifiers: ClinVar variation 3006267 (VCV003006267.3), dbSNP rs756975529, ClinGen allele CA4162614.